The following is an entry in ClinVar:

ClinVar aggregate classification (germline): Uncertain significance (1 of 4 stars; one submission).

Conditions:
Tuberous sclerosis 2 (TSC2). Identifiers: Orphanet 805, MedGen C1860707, MONDO:0013199, OMIM 613254.

Submission:

Labcorp Genetics (formerly Invitae), Labcorp
Classification: Uncertain significance for Tuberous sclerosis 2. Last evaluated: 2023-12-18. Review status: criteria provided, single submitter. Criteria: Invitae Variant Classification Sherloc (09022015). Collection method: clinical testing. Allele origin: germline.
Comment: This sequence change falls in intron 24 of the TSC2 gene. It does not directly change the encoded amino acid sequence of the TSC2 protein. It affects a nucleotide within the consensus splice site. This variant is not present in population databases (gnomAD no frequency). This variant has not been reported in the literature in individuals affected with TSC2-related conditions. Variants that disrupt the consensus splice site are a relatively common cause of aberrant splicing (PMID: 17576681, 9536098). Algorithms developed to predict the effect of sequence changes on RNA splicing suggest that this variant may disrupt the consensus splice site. In summary, the available evidence is currently insufficient to determine the role of this variant in disease. Therefore, it has been classified as a Variant of Uncertain Significance.

Literature cited by the submitters: PubMed 17576681; PubMed 9536098.

NM_000548.5(TSC2):c.2742+3_2742+4insATGGCTGTG

Gene: TSC2 (TSC complex subunit 2; plus strand). Cytogenetic location: 16p13.3.
Variant type: Insertion.
Coding change: c.2742+3_2742+4insATGGCTGTG on transcript NM_000548.5 (MANE Select); bases 3 to 4 of the intron after coding-DNA position 2742, ATGGCTGTG inserted.
Molecular consequence: splice donor variant.
Genome position: GRCh38 VCF-style: chr16-2076170-G-GGTGATGGCT. GRCh37 (hg19) VCF-style: chr16-2126171-G-GGTGATGGCT.
Other names: c.1398+3_1398+4insATGGCTGTG (NM_001406693.1, NM_001406689.1, NM_001406690.1 and 6 more transcripts); c.2832+3_2832+4insATGGCTGTG (NM_001406667.1, NM_001406668.1); c.2142+3_2142+4insATGGCTGTG (NM_001406680.1, NM_001406683.1, NM_001406687.1 and 6 more transcripts); c.1140+3_1140+4insATGGCTGTG (NM_001406698.1); c.2742+3_2742+4insATGGCTGTG (NM_001114382.3, NM_001406663.1, NM_001406664.1 and 6 more transcripts); c.2730+3_2730+4insATGGCTGTG (NM_001406671.1, NM_001406673.1); c.2280+3_2280+4insATGGCTGTG (NM_001406681.1); c.2631+3_2631+4insATGGCTGTG (NM_001406670.1, NM_001318827.2, NM_001406678.1); and 3 more.
Identifiers: ClinVar variation 2703872 (VCV002703872.3), dbSNP rs2543913301, ClinGen allele CA2631131267.